The following is an entry in ClinVar:

NM_000051.4(ATM):c.9001_9002del (p.Ser3001fs)

Genes: ATM (ATM serine/threonine kinase; plus strand), C11orf65 (chromosome 11 open reading frame 65; minus strand). Cytogenetic location: 11q22.3.
Variant type: Microsatellite.
Coding change: c.9001_9002del on transcript NM_000051.4 (MANE Select); coding-DNA positions 9001 to 9002, 2 bases deleted (AG; older notation c.9001_9002delAG).
Protein change: p.Ser3001fs; shifts the reading frame from serine 3001.
Molecular consequence: frameshift variant. On other transcripts: intron variant (2).
Genome position (GRCh38, 1-based): chr11:108,365,338-108,365,339, AG deleted; deleting any 2 consecutive bases within chr11:108,365,336-108,365,339 gives the same sequence; the c. name uses the placement nearest the transcript's 3' end. VCF-style (leftmost placement, unchanged base first): chr11-108365335-CAG-C. GRCh37 (hg19) VCF-style: chr11-108236062-CAG-C.
Other names: c.9001_9002delAG (NM_000051.3); c.9001_9002del (NM_000051.3); c.9001_9002del, p.Ser3001fs (NM_001351834.2); c.640+20583_640+20584del (NM_001330368.2); c.694+20583_694+20584del (NM_001351110.2); short protein forms S3001fs.
Identifiers: ClinVar variation 232841 (VCV000232841.16), dbSNP rs876660022, ClinGen allele CA10579330.

ClinVar aggregate classification (germline): Pathogenic/Likely pathogenic. Review status: criteria provided, multiple submitters, no conflicts (2 of 4 stars). 5 submissions from 5 submitters: Pathogenic (3); Likely pathogenic (1). 1 of the submissions does not count toward it. Last evaluated 2025-05-27.

Conditions:
Hereditary cancer-predisposing syndrome. Also called: Neoplastic Syndromes, Hereditary; Hereditary neoplastic syndrome; Tumor predisposition; Hereditary Cancer Syndrome. Identifiers: Orphanet 140162, MedGen C0027672, MeSH D009386, MONDO:0015356.
Familial cancer of breast. Also called: hereditary breast carcinoma; Hereditary breast cancer; BREAST CANCER, FAMILIAL. Identifiers: Orphanet 227535, MedGen C0346153, MONDO:0016419, OMIM 114480. Disease mechanism: loss of function.
Ataxia-telangiectasia syndrome (AT). Also called: Ataxia telangiectasia (A-T); Cerebello-oculocutaneous telangiectasia; Immunodeficiency with ataxia telangiectasia; LOUIS-BAR SYNDROME; AT, COMPLEMENTATION GROUP C; ATAXIA-TELANGIECTASIA, FRESNO VARIANT. Identifiers: Orphanet 100, MedGen C0004135, MONDO:0008840, OMIM 208900.

Submissions (5):

Quest Diagnostics Nichols Institute San Juan Capistrano
Classification: Likely pathogenic. Last evaluated: 2025-05-27. Review status: criteria provided, single submitter. Criteria: Quest Diagnostics criteria. Collection method: clinical testing. Allele origin: unknown.
Comment: The ATM c.9001_9002del (p.Ser3001Phefs*6) frameshift variant (also known as 9001delAG) creates a premature stop codon in the last exon of the ATM gene. While this is not expected to trigger nonsense-mediated decay of the affected transcript, the resulting loss of functionally important protein domain and residue is predicted to significantly impact ATM function (PMIDs: 16603769 (2006), 17923702 (2007)). In the published literature, this variant in the homozygous state has been reported in multiple individuals with ataxia-telangiectasia (PMIDs: 34582042 (2021), 9792409 (1998), 8845835 (1996)). This variant has not been reported in large, multi-ethnic general populations (Genome Aggregation Database). Based on the available information, this variant is classified as likely pathogenic.

Labcorp Genetics (formerly Invitae), Labcorp
Classification: Pathogenic for Ataxia-telangiectasia syndrome. Last evaluated: 2025-05-22. Review status: criteria provided, single submitter. Criteria: Invitae Variant Classification Sherloc (09022015). Collection method: clinical testing. Allele origin: germline.
Comment: This sequence change creates a premature translational stop signal (p.Ser3001Phefs*6) in the ATM gene. While this is not anticipated to result in nonsense mediated decay, it is expected to disrupt the last 56 amino acid(s) of the ATM protein. This variant is not present in population databases (gnomAD no frequency). This premature translational stop signal has been observed in individual(s) with ataxia telangectasia (PMID: 8845835, 9792409). This variant is also known as c.9001delAG. This variant disrupts a region of the ATM protein in which other variant(s) (p.Arg3047*) have been determined to be pathogenic (PMID: 8755918, 10980530, 18560558, 18813293, 19691550, 19781682, 23532176, 26628246). This suggests that this is a clinically significant region of the protein, and that variants that disrupt it are likely to be disease-causing. For these reasons, this variant has been classified as Pathogenic.

Myriad Genetics, Inc.
Classification: Pathogenic for Familial cancer of breast. Last evaluated: 2024-02-06. Review status: criteria provided, single submitter. Criteria: Myriad Autosomal Dominant, Autosomal Recessive and X-Linked Classification Criteria (2023). Collection method: clinical testing. Allele origin: unknown.
Comment: This variant is considered pathogenic. This variant creates a frameshift predicted to result in premature protein truncation.

Ambry Genetics
Classification: Pathogenic for Hereditary cancer-predisposing syndrome. Last evaluated: 2022-05-23. Review status: criteria provided, single submitter. Criteria: Ambry Variant Classification Scheme 2023. Collection method: clinical testing. Allele origin: germline.
Comment: The c.9001_9002delAG pathogenic mutation, located in coding exon 62 of the ATM gene, results from a deletion of two nucleotides at nucleotide positions 9001 to 9002, causing a translational frameshift with a predicted alternate stop codon (p.S3001Ffs*6). This alteration occurs at the 3' terminus of theATM gene, is not expected to trigger nonsense-mediated mRNA decay, and only impacts the last 56 amino acids of the protein. However, premature stop codons are typically deleterious in nature and the impacted region is critical for protein function (Ambry internal data). This mutation has been identified as homozygous in two individuals with ataxia-telangiectasia (A-T) (Gilad S, Hum. Mol. Genet. 1996 Apr; 5(4):433-9. Broeks A, Hum. Mutat. 1998 ; 12(5):330-7). This variant is considered to be rare based on population cohorts in the Genome Aggregation Database (gnomAD). Based on the supporting evidence, this alteration is interpreted as a disease-causing mutation.

Natera, Inc.
Classification: Pathogenic for Ataxia-telangiectasia. Last evaluated: 2020-09-16. Review status: no assertion criteria provided. Collection method: clinical testing. Allele origin: germline. Not counted in ClinVar's aggregate classification.

Literature cited by the submitters: PubMed 8845835 (cited by Labcorp Genetics (formerly Invitae), Labcorp and Ambry Genetics); PubMed 9792409 (cited by Labcorp Genetics (formerly Invitae), Labcorp and Ambry Genetics); PubMed 8755918 (cited by Labcorp Genetics (formerly Invitae), Labcorp); PubMed 10980530 (cited by Labcorp Genetics (formerly Invitae), Labcorp); PubMed 18560558 (cited by Labcorp Genetics (formerly Invitae), Labcorp); PubMed 18813293 (cited by Labcorp Genetics (formerly Invitae), Labcorp); PubMed 19691550 (cited by Labcorp Genetics (formerly Invitae), Labcorp); PubMed 19781682 (cited by Labcorp Genetics (formerly Invitae), Labcorp); PubMed 23532176 (cited by Labcorp Genetics (formerly Invitae), Labcorp); PubMed 26628246 (cited by Labcorp Genetics (formerly Invitae), Labcorp).